The following is an entry in ClinVar:

NM_000179.3(MSH6):c.3765T>G (p.Asp1255Glu)

Gene: MSH6 (mutS homolog 6; plus strand). Cytogenetic location: 2p16.3.
Variant type: single nucleotide variant.
Coding change: c.3765T>G on transcript NM_000179.3 (MANE Select); coding-DNA position 3765, T replaced by G.
Protein change: p.Asp1255Glu; replaces aspartic acid 1255 with glutamic acid.
Molecular consequence: missense variant. On other transcripts: non-coding transcript variant (5).
Genome position (GRCh38, 1-based): chr2:47,806,322, T>G. VCF-style: chr2-47806322-T-G. GRCh37 (hg19) VCF-style: chr2-48033461-T-G.
Other names: c.3375T>G, p.Asp1125Glu (NM_001281492.2); c.2859T>G, p.Asp953Glu (NM_001281493.2, NM_001281494.2, NM_001406811.1 and 6 more transcripts); c.3861T>G, p.Asp1287Glu (NM_001406795.1, NM_001406802.1); c.3765T>G, p.Asp1255Glu (NM_001406796.1, NM_001406800.1, NM_001406808.1 and 1 more transcripts); c.3468T>G, p.Asp1156Glu (NM_001406797.1, NM_001406801.1, NM_001406805.1 and 10 more transcripts); c.3591T>G, p.Asp1197Glu (NM_001406798.1); c.3240T>G, p.Asp1080Glu (NM_001406799.1, NM_001406806.1, NM_001406807.1); c.2901T>G, p.Asp967Glu (NM_001406803.1); and 7 more; short protein forms D1080E, D1255E, D1257E, D1156E, D1199E, D1287E, D570E, D204E.
Identifiers: ClinVar variation 5006303 (VCV005006303.2).

ClinVar aggregate classification (germline): Uncertain significance (1 of 4 stars; one submission).

Conditions:
Lynch syndrome 5 (LYNCH5). Also called: Hereditary non-polyposis colorectal cancer, type 5; Colorectal cancer, hereditary nonpolyposis, type 5. Identifiers: Orphanet 144, MedGen C1833477, MONDO:0013710, OMIM 614350. Disease mechanism: loss of function.
Mismatch repair cancer syndrome 3. Identifiers: MedGen C5436807, MONDO:0030841, OMIM 619097.
Endometrial carcinoma. Also called: Endometrial carcinoma, somatic. Identifiers: MedGen C0476089, MONDO:0002447, OMIM 608089, HP:0012114.

gnomAD v4.1: 1 of 1,614,170 alleles (0.000062%); highest among the groups gnomAD compares: East Asian, 0.0022%; no homozygotes.

Submission:

Juno Genomics, Hangzhou Juno Genomics, Inc
Classification: Uncertain significance for Lynch syndrome 5; Endometrial carcinoma; Mismatch repair cancer syndrome 3. Review status: criteria provided, single submitter. Criteria: ACMG Guidelines, 2015. Collection method: clinical testing. Allele origin: germline.
Comment: Absent from controls (or at extremely low frequency if recessive) in Genome Aggregation Database.